The following is an entry in ClinVar:

NM_014915.3(ANKRD26):c.2778A>G (p.Leu926=)

Gene: ANKRD26 (ankyrin repeat domain containing 26; minus strand). Cytogenetic location: 10p12.1.
Variant type: single nucleotide variant.
Coding change: c.2778A>G on transcript NM_014915.3 (MANE Select); coding-DNA position 2778, A replaced by G.
Protein change: p.Leu926=; no amino-acid change (leucine 926 retained).
Molecular consequence: synonymous variant.
Genome position (GRCh38, 1-based): chr10:27,035,672, T>C on the plus strand (A>G on the coding strand, the complement: ANKRD26 is on the minus strand). VCF-style: chr10-27035672-T-C. GRCh37 (hg19) VCF-style: chr10-27324601-T-C.
Other names: c.2775A>G, p.Leu925= (NM_001256053.2).
Identifiers: ClinVar variation 3031029 (VCV003031029.3), dbSNP rs909249689, ClinGen allele CA204449691.

ClinVar aggregate classification (germline): Likely benign. Review status: criteria provided, single submitter (1 of 4 stars). 2 submissions from 2 submitters: Likely benign (1). 1 of the submissions does not count toward it. Last evaluated 2024-11-28.

Conditions:
ANKRD26-related disorder. Also called: ANKRD26-related condition.
Inborn genetic diseases. Identifiers: MedGen C0950123, MeSH D030342.

Allele frequency attached by ClinVar (database versions not stated): gnomAD exomes 0.00002; TOPMed 0.00003; gnomAD 0.00004.
gnomAD v4.1: 28 of 1,599,124 alleles (0.0018%); highest among the groups gnomAD compares: Non-Finnish European, 0.0023%; no homozygotes.

Submissions (2):

Ambry Genetics
Classification: Likely benign for Inborn genetic diseases. Last evaluated: 2024-11-28. Review status: criteria provided, single submitter. Criteria: Ambry Variant Classification Scheme 2023. Collection method: clinical testing. Allele origin: germline.

PreventionGenetics, part of Exact Sciences
Classification: Likely benign for ANKRD26-related condition. Last evaluated: 2023-07-10. Review status: no assertion criteria provided. Collection method: clinical testing. Allele origin: germline. Not counted in ClinVar's aggregate classification.
Comment: This variant is classified as likely benign based on ACMG/AMP sequence variant interpretation guidelines (Richards et al. 2015 PMID: 25741868, with internal and published modifications).